The following is an entry in ClinVar:

NM_022835.3(PLEKHG2):c.3904G>A (p.Ala1302Thr)

Gene: PLEKHG2 (pleckstrin homology and RhoGEF domain containing G2; plus strand). Cytogenetic location: 19q13.2.
Variant type: single nucleotide variant.
Coding change: c.3904G>A on transcript NM_022835.3 (MANE Select); coding-DNA position 3904, G replaced by A.
Protein change: p.Ala1302Thr; replaces alanine 1302 with threonine.
Molecular consequence: missense variant. On other transcripts: intron variant (2).
Genome position (GRCh38, 1-based): chr19:39,425,037, G>A. VCF-style: chr19-39425037-G-A. GRCh37 (hg19) VCF-style: chr19-39915677-G-A.
Other names: c.3572+155G>A (NM_001351693.2); c.1678-201G>A (NM_001351694.2); short protein forms A1302T.
Identifiers: ClinVar variation 1362538 (VCV001362538.4), dbSNP rs34603507, ClinGen allele CA9430085.

ClinVar aggregate classification (germline): Uncertain significance (1 of 4 stars; one submission).

Allele frequency attached by ClinVar (database versions not stated): gnomAD exomes 0.00005 and 0.00012; 1000 Genomes Project 30x 0.00016; ExAC 0.00017; 1000 Genomes Project 0.00020; ESP Exome Variant Server 0.00039; gnomAD 0.00056 and 0.00063; TOPMed 0.00057.

Submission:

Labcorp Genetics (formerly Invitae), Labcorp
Classification: Uncertain significance. Last evaluated: 2022-08-23. Review status: criteria provided, single submitter. Criteria: Invitae Variant Classification Sherloc (09022015). Collection method: clinical testing. Allele origin: germline.
Comment: Algorithms developed to predict the effect of missense changes on protein structure and function output the following: SIFT: "Tolerated"; PolyPhen-2: "Benign"; Align-GVGD: "Class C0". The threonine amino acid residue is found in multiple mammalian species, which suggests that this missense change does not adversely affect protein function. In summary, the available evidence is currently insufficient to determine the role of this variant in disease. Therefore, it has been classified as a Variant of Uncertain Significance. ClinVar contains an entry for this variant (Variation ID: 1362538). This variant has not been reported in the literature in individuals affected with PLEKHG2-related conditions. This variant is present in population databases (rs34603507, gnomAD 0.2%). This sequence change replaces alanine, which is neutral and non-polar, with threonine, which is neutral and polar, at codon 1302 of the PLEKHG2 protein (p.Ala1302Thr).